The following is an entry in ClinVar:

ClinVar aggregate classification (germline): Likely benign (1 of 4 stars; one submission).

Allele frequency attached by ClinVar (database versions not stated): gnomAD exomes below 0.00001 and 0.00001.
gnomAD v4.1: 5 of 1,609,550 alleles (0.00031%); highest among the groups gnomAD compares: African/African-American, 0.0027%; no homozygotes.

Submission:

GeneDx
Classification: Likely benign. Last evaluated: 2015-01-08. Review status: criteria provided, single submitter. Criteria: GeneDx Variant Classification (06012015). Collection method: clinical testing. Allele origin: germline. Affected: yes.
Comment: This variant is considered likely benign or benign based on one or more of the following criteria: it is a conservative change, it occurs at a poorly conserved position in the protein, it is predicted to be benign by multiple in silico algorithms, and/or has population frequency not consistent with disease.

NM_007254.4(PNKP):c.-4C>G

Gene: PNKP (polynucleotide kinase 3'-phosphatase; minus strand). Cytogenetic location: 19q13.33.
Variant type: single nucleotide variant.
Coding change: c.-4C>G on transcript NM_007254.4 (MANE Select); 4 bases upstream of the start codon, C replaced by G.
Molecular consequence: 5 prime UTR variant.
Genome position (GRCh38, 1-based): chr19:49,867,208, G>C on the plus strand (C>G on the coding strand, the complement: PNKP is on the minus strand). VCF-style: chr19-49867208-G-C. GRCh37 (hg19) VCF-style: chr19-50370465-G-C.
Identifiers: ClinVar variation 206379 (VCV000206379.1), dbSNP rs796052847, ClinGen allele CA316440.